The following is an entry in ClinVar:

ClinVar aggregate classification (germline): Uncertain significance. Review status: criteria provided, multiple submitters, no conflicts (2 of 4 stars). 3 submissions from 3 submitters: Uncertain significance (3). Last evaluated 2025-05-20.

Conditions:
Inborn genetic diseases. Identifiers: MedGen C0950123, MeSH D030342.

Allele frequency attached by ClinVar (database versions not stated): gnomAD exomes 0.00003; TOPMed 0.00003; gnomAD 0.00004; ExAC 0.00006; 1000 Genomes Project 30x 0.00016; 1000 Genomes Project 0.00020.
gnomAD v4.1: 192 of 1,591,604 alleles (0.012%); highest among the groups gnomAD compares: Non-Finnish European, 0.016%; no homozygotes.

Submissions (4):

Ambry Genetics
Classification: Uncertain significance for Inborn genetic diseases. Last evaluated: 2025-05-20. Review status: criteria provided, single submitter. Criteria: Ambry Variant Classification Scheme 2023. Collection method: clinical testing. Allele origin: germline.

Labcorp Genetics (formerly Invitae), Labcorp
Classification: Uncertain significance. Last evaluated: 2024-04-25. Review status: criteria provided, single submitter. Criteria: Invitae Variant Classification Sherloc (09022015). Collection method: clinical testing. Allele origin: germline.
Comment: This sequence change replaces histidine, which is basic and polar, with arginine, which is basic and polar, at codon 87 of the SLC25A24 protein (p.His87Arg). This variant is present in population databases (rs551037811, gnomAD 0.007%). This variant has not been reported in the literature in individuals affected with SLC25A24-related conditions. ClinVar contains an entry for this variant (Variation ID: 806178). Advanced modeling of protein sequence and biophysical properties (such as structural, functional, and spatial information, amino acid conservation, physicochemical variation, residue mobility, and thermodynamic stability) performed at Invitae indicates that this missense variant is not expected to disrupt SLC25A24 protein function with a negative predictive value of 80%. In summary, the available evidence is currently insufficient to determine the role of this variant in disease. Therefore, it has been classified as a Variant of Uncertain Significance.

CeGaT Center for Human Genetics Tuebingen
Classification: Uncertain significance. Last evaluated: 2018-09-01. Review status: criteria provided, single submitter. Criteria: CeGaT Center For Human Genetics Tuebingen Variant Classification Criteria Version 2. Collection method: clinical testing. Allele origin: germline. Affected: yes. Observed: 1 variant allele.

Dr. Peter K. Rogan Lab, Western University
No classification provided (evidence only). Condition: Melanoma. Review status: no classification provided. Collection method: in vitro. Allele origin: not applicable. Functional consequence: retained intron. Not counted in ClinVar's aggregate classification.

NM_013386.5(SLC25A24):c.260A>G (p.His87Arg)

Gene: SLC25A24 (solute carrier family 25 member 24; minus strand). Cytogenetic location: 1p13.3.
Variant type: single nucleotide variant.
Coding change: c.260A>G on transcript NM_013386.5 (MANE Select); coding-DNA position 260, A replaced by G.
Protein change: p.His87Arg; replaces histidine 87 with arginine.
Molecular consequence: missense variant.
Genome position (GRCh38, 1-based): chr1:108,185,878, T>C on the plus strand (A>G on the coding strand, the complement: SLC25A24 is on the minus strand). VCF-style: chr1-108185878-T-C. GRCh37 (hg19) VCF-style: chr1-108728500-T-C.
Other names: c.203A>G, p.His68Arg (NM_213651.3); c.260A>G (NM_013386.3); short protein forms H68R, H87R.
Identifiers: ClinVar variation 806178 (VCV000806178.45), dbSNP rs551037811, ClinGen allele CA979361.